The following is an entry in ClinVar:

ClinVar aggregate classification (germline): Uncertain significance (1 of 4 stars; one submission).

Submission:

Labcorp Genetics (formerly Invitae), Labcorp
Classification: Uncertain significance. Last evaluated: 2023-12-15. Review status: criteria provided, single submitter. Criteria: Invitae Variant Classification Sherloc (09022015). Collection method: clinical testing. Allele origin: germline.
Comment: This sequence change replaces lysine, which is basic and polar, with glutamic acid, which is acidic and polar, at codon 980 of the TOPORS protein (p.Lys980Glu). This variant is not present in population databases (gnomAD no frequency). This variant has not been reported in the literature in individuals affected with TOPORS-related conditions. Experimental studies and prediction algorithms are not available or were not evaluated, and the functional significance of this variant is currently unknown. In summary, the available evidence is currently insufficient to determine the role of this variant in disease. Therefore, it has been classified as a Variant of Uncertain Significance.

NM_005802.5(TOPORS):c.2938A>G (p.Lys980Glu)

Gene: TOPORS (TOP1 binding arginine/serine rich protein, E3 ubiquitin ligase; minus strand). Cytogenetic location: 9p21.1.
Variant type: single nucleotide variant.
Coding change: c.2938A>G on transcript NM_005802.5 (MANE Select); coding-DNA position 2938, A replaced by G.
Protein change: p.Lys980Glu; replaces lysine 980 with glutamic acid.
Molecular consequence: missense variant.
Genome position (GRCh38, 1-based): chr9:32,541,587, T>C on the plus strand (A>G on the coding strand, the complement: TOPORS is on the minus strand). VCF-style: chr9-32541587-T-C. GRCh37 (hg19) VCF-style: chr9-32541585-T-C.
Other names: c.2743A>G, p.Lys915Glu (NM_001195622.2); short protein forms K980E, K915E.
Identifiers: ClinVar variation 2803533 (VCV002803533.3), dbSNP rs2489444385, ClinGen allele CA373159916.
Genomic context (GRCh38, chr9:32,541,587, plus strand): 5'-CTCTTACATCGAGAGTTTGTTCAACTGAAGCTGCCAGAGGTGGAATATTATCTACAGTTT[T>C]GTTGGCATTATTCAAGTTGTTACTAAGTGTGGCAATATCACATTCCTTGTCCAGCACACC-3'
Protein context (NP_005793.2, residues 970-990): TLSNNLNNAN[Lys980Glu]TVDNIPPLAA